The following is an entry in ClinVar:

ClinVar aggregate classification (germline): Likely pathogenic (1 of 4 stars; one submission).

Submission:

Labcorp Genetics (formerly Invitae), Labcorp
Classification: Likely pathogenic. Last evaluated: 2023-06-29. Review status: criteria provided, single submitter. Criteria: Invitae Variant Classification Sherloc (09022015). Collection method: clinical testing. Allele origin: unknown.
Comment: In summary, the currently available evidence indicates that the variant is pathogenic, but additional data are needed to prove that conclusively. Therefore, this variant has been classified as Likely Pathogenic. This variant has not been reported in the literature in individuals affected with OPA1-related conditions. This variant results in a copy number gain of the genomic region encompassing exon(s) 2-4 of the OPA1 gene. While the exact position of this variant cannot be determined from the data, sub-genic copy number gains are generally in tandem (PMID: 25640679). This variant is predicted to be out-of-frame, and may result in an absent or disrupted protein product. Loss-of-function variants in OPA1 are known to be pathogenic (PMID: 11440988, 20157015, 20952381, 25012220).

Literature cited by the submitters: PubMed 25640679; PubMed 11440988; PubMed 20157015; PubMed 20952381; PubMed 25012220.

NC_000003.11:g.(?_193332492)_(193335990_?)dup

Gene: OPA1 (OPA1 mitochondrial dynamin like GTPase; plus strand). Cytogenetic location: 3q29.
Variant type: Duplication.
Identifiers: ClinVar variation 3247021 (VCV003247021.1).